The following is an entry in ClinVar:

ClinVar aggregate classification (germline): Uncertain significance. Review status: criteria provided, multiple submitters, no conflicts (2 of 4 stars). 3 submissions from 3 submitters: Uncertain significance (3). Last evaluated 2024-02-24.

Allele frequency attached by ClinVar (database versions not stated): gnomAD exomes 0.00005; ExAC 0.00012; gnomAD 0.00019; TOPMed 0.00022; ESP Exome Variant Server 0.00031.
gnomAD v4.1: 110 of 1,613,396 alleles (0.0068%); highest among the groups gnomAD compares: African/African-American, 0.045%; no homozygotes.

Submissions (3):

Labcorp Genetics (formerly Invitae), Labcorp
Classification: Uncertain significance. Last evaluated: 2024-02-24. Review status: criteria provided, single submitter. Criteria: Invitae Variant Classification Sherloc (09022015). Collection method: clinical testing. Allele origin: germline.
Comment: This sequence change replaces asparagine, which is neutral and polar, with serine, which is neutral and polar, at codon 186 of the NARS2 protein (p.Asn186Ser). This variant is present in population databases (rs148482253, gnomAD 0.05%). This variant has not been reported in the literature in individuals affected with NARS2-related conditions. ClinVar contains an entry for this variant (Variation ID: 1802102). Advanced modeling of protein sequence and biophysical properties (such as structural, functional, and spatial information, amino acid conservation, physicochemical variation, residue mobility, and thermodynamic stability) performed at Invitae indicates that this missense variant is not expected to disrupt NARS2 protein function with a negative predictive value of 80%. In summary, the available evidence is currently insufficient to determine the role of this variant in disease. Therefore, it has been classified as a Variant of Uncertain Significance.

Blueprint Genetics
Classification: Uncertain significance. Last evaluated: 2023-08-04. Review status: criteria provided, single submitter. Criteria: ACMG Guidelines, 2015. Collection method: clinical testing. Allele origin: germline.

GeneDx
Classification: Uncertain significance. Last evaluated: 2022-11-29. Review status: criteria provided, single submitter. Criteria: GeneDx Variant Classification Process June 2021. Collection method: clinical testing. Allele origin: germline. Affected: yes.
Comment: In silico analysis supports that this missense variant does not alter protein structure/function; Has not been previously published as pathogenic or benign to our knowledge

NM_024678.6(NARS2):c.557A>G (p.Asn186Ser)

Gene: NARS2 (asparaginyl-tRNA synthetase 2, mitochondrial; minus strand). Cytogenetic location: 11q14.1.
Variant type: single nucleotide variant.
Coding change: c.557A>G on transcript NM_024678.6 (MANE Select); coding-DNA position 557, A replaced by G.
Protein change: p.Asn186Ser; replaces asparagine 186 with serine.
Molecular consequence: missense variant. On other transcripts: 5 prime UTR variant (1).
Genome position (GRCh38, 1-based): chr11:78,559,576, T>C on the plus strand (A>G on the coding strand, the complement: NARS2 is on the minus strand). VCF-style: chr11-78559576-T-C. GRCh37 (hg19) VCF-style: chr11-78270622-T-C.
Other names: c.-125A>G (NM_001243251.2); short protein forms N186S.
Identifiers: ClinVar variation 1802102 (VCV001802102.6), dbSNP rs148482253, ClinGen allele CA6205796.